The following is an entry in ClinVar:

ClinVar aggregate classification (germline): Benign (0 of 4 stars; one submission).

Conditions:
DNAH2-related disorder. Also called: DNAH2-related condition.

Allele frequency attached by ClinVar (database versions not stated): gnomAD exomes 0.00093; ExAC 0.00251; 1000 Genomes Project 0.00559; 1000 Genomes Project 30x 0.00593; gnomAD 0.00607; TOPMed 0.00652; ESP Exome Variant Server 0.00700.
gnomAD v4.1: 2,314 of 1,610,904 alleles (0.14%); highest among the groups gnomAD compares: African/African-American, 2.1%; 17 homozygotes.

Submission:

PreventionGenetics, part of Exact Sciences
Classification: Benign for DNAH2-related condition. Last evaluated: 2024-05-15. Review status: no assertion criteria provided. Collection method: clinical testing. Allele origin: germline.
Comment: This variant is classified as benign based on ACMG/AMP sequence variant interpretation guidelines (Richards et al. 2015 PMID: 25741868, with internal and published modifications).

NM_020877.5(DNAH2):c.11478+4G>A

Gene: DNAH2 (dynein axonemal heavy chain 2; plus strand). Cytogenetic location: 17p13.1.
Variant type: single nucleotide variant.
Coding change: c.11478+4G>A on transcript NM_020877.5 (MANE Select); 4 bases into the intron after coding-DNA position 11478, G replaced by A.
Molecular consequence: intron variant.
Genome position (GRCh38, 1-based): chr17:7,823,986, G>A. VCF-style: chr17-7823986-G-A. GRCh37 (hg19) VCF-style: chr17-7727304-G-A.
Identifiers: ClinVar variation 3050660 (VCV003050660.2), dbSNP rs79578814, ClinGen allele CA8359469.